The following is an entry in ClinVar:

NM_015325.3(ICE1):c.4389A>G (p.Pro1463=)

Gene: ICE1 (interactor of little elongation complex ELL subunit 1; plus strand). Cytogenetic location: 5p15.32.
Variant type: single nucleotide variant.
Coding change: c.4389A>G on transcript NM_015325.3 (MANE Select); coding-DNA position 4389, A replaced by G.
Protein change: p.Pro1463=; no amino-acid change (proline 1463 retained).
Molecular consequence: synonymous variant.
Genome position (GRCh38, 1-based): chr5:5,463,723, A>G. VCF-style: chr5-5463723-A-G. GRCh37 (hg19) VCF-style: chr5-5463836-A-G.
Other names: NC_000005.9:g.5463836A>G.
Identifiers: ClinVar variation 3049775 (VCV003049775.3), dbSNP rs72646684, ClinGen allele CA3191301.

ClinVar aggregate classification (germline): Likely benign (0 of 4 stars; one submission).

Conditions:
ICE1-related disorder. Also called: ICE1-related condition.

Allele frequency attached by ClinVar (database versions not stated): 1000 Genomes Project 0.00060; 1000 Genomes Project 30x 0.00062; ExAC 0.00112; gnomAD 0.00149; TOPMed 0.00154; ESP Exome Variant Server 0.00181.

Submissions (3):

PreventionGenetics, part of Exact Sciences
Classification: Likely benign for ICE1-related condition. Last evaluated: 2022-12-02. Review status: no assertion criteria provided. Collection method: clinical testing. Allele origin: germline.
Comment: This variant is classified as likely benign based on ACMG/AMP sequence variant interpretation guidelines (Richards et al. 2015 PMID: 25741868, with internal and published modifications).

Dr. Peter K. Rogan Lab, Western University
No classification provided (evidence only). Condition: Lung cancer. Review status: no classification provided. Collection method: in vitro. Allele origin: not applicable. Functional consequence: retained intron. Not counted in ClinVar's aggregate classification.

Dr. Peter K. Rogan Lab, Western University
No classification provided (evidence only). Condition: Thyroid cancer, nonmedullary, 1. Review status: no classification provided. Collection method: in vitro. Allele origin: not applicable. Functional consequence: retained intron. Not counted in ClinVar's aggregate classification.